The following is an entry in ClinVar:

ClinVar aggregate classification (germline): Conflicting classifications of pathogenicity. Review status: criteria provided, conflicting classifications (1 of 4 stars). 3 submissions from 3 submitters: Uncertain significance (1); Likely benign (2). Last evaluated 2025-11-22.

Conditions:
DICER1-related tumor predisposition. Also called: DICER1-related pleuropulmonary blastoma cancer predisposition syndrome; DICER1 syndrome. Identifiers: Orphanet 284343, MedGen C3839822, MONDO:0100216.
Hereditary cancer-predisposing syndrome. Also called: Neoplastic Syndromes, Hereditary; Tumor predisposition; Hereditary Cancer Syndrome; Hereditary neoplastic syndrome. Identifiers: Orphanet 140162, MedGen C0027672, MeSH D009386, MONDO:0015356.

Allele frequency attached by ClinVar (database versions not stated): gnomAD 0.00001 and 0.00002; gnomAD exomes 0.00001 and 0.00002; TOPMed 0.00001; ExAC 0.00002.

Submissions (3):

Labcorp Genetics (formerly Invitae), Labcorp
Classification: Likely benign for DICER1-related tumor predisposition. Last evaluated: 2025-11-22. Review status: criteria provided, single submitter. Criteria: Invitae Variant Classification Sherloc (09022015). Collection method: clinical testing. Allele origin: germline.

Sema4
Classification: Uncertain significance for Hereditary cancer-predisposing syndrome. Last evaluated: 2022-02-05. Review status: criteria provided, single submitter. Criteria: Sema4 Curation Guidelines. Collection method: curation. Allele origin: germline.
Comment: The DICER1 c.574-7_574-5delATG variant has not been reported in the literature to our knowledge. It was was observed in 4/112262 chromosomes in the Non-Finnish European population according to the Genome Aggregation Database (PMID: 32461654). This variant has been reported in ClinVar (Variation ID: 543698). Algorithms developed to predict the effect of sequence changes on RNA splicing suggest negative effect, though these predictions have not been confirmed by functional studies. The evidence is insufficient to meet ACMG/AMP criteria for classifying the variant as benign or pathogenic. Thus, the clinical significance of this variant is currently uncertain.

Ambry Genetics
Classification: Likely benign for Hereditary cancer-predisposing syndrome. Last evaluated: 2022-01-15. Review status: criteria provided, single submitter. Criteria: Ambry Variant Classification Scheme 2023. Collection method: clinical testing. Allele origin: germline.

NM_177438.3(DICER1):c.574-7_574-5del

Gene: DICER1 (dicer 1, ribonuclease III; minus strand). Cytogenetic location: 14q32.13.
Variant type: Deletion.
Coding change: c.574-7_574-5del on transcript NM_177438.3 (MANE Select); 7 bases into the intron before coding-DNA position 574 through 5 bases into the intron before coding-DNA position 574, 3 bases deleted (ATG; older notation c.574-7_574-5delATG).
Molecular consequence: intron variant.
Genome position (GRCh38, 1-based): chr14:95,129,637-95,129,639, CAT deleted on the plus strand (ATG on the coding strand, the reverse complement: DICER1 is on the minus strand). VCF-style (leftmost placement, unchanged base first): chr14-95129636-ACAT-A. GRCh37 (hg19) VCF-style: chr14-95595973-ACAT-A.
Other names: c.574-7_574-5del (NM_001291628.2, NM_030621.4, NM_001271282.3 and 1 more transcripts); c.574-7_574-5delATG (NM_177438.2).
Identifiers: ClinVar variation 543698 (VCV000543698.15), dbSNP rs753080447, ClinGen allele CA7331616.